The following is an entry in ClinVar:

ClinVar aggregate classification (germline): Pathogenic (1 of 4 stars; one submission).

Conditions:
DICER1-related tumor predisposition. Also called: DICER1 syndrome; DICER1-related pleuropulmonary blastoma cancer predisposition syndrome. Identifiers: Orphanet 284343, MedGen C3839822, MONDO:0100216.

Submission:

Department of Clinical Genetics, Copenhagen University Hospital, Rigshospitalet
Classification: Pathogenic for DICER1-related tumor predisposition. Last evaluated: 2025-01-24. Review status: criteria provided, single submitter. Criteria: ACMG Guidelines, 2015. Collection method: clinical testing. Allele origin: germline.
Comment: The following ACMG criteria have been used in classification: PM2_SUP; PVS1; PS4_SUP

Literature cited by the submitters: PubMed 34552563.

NM_177438.3(DICER1):c.5388dup (p.Glu1797fs)

Gene: DICER1 (dicer 1, ribonuclease III; minus strand). Cytogenetic location: 14q32.13.
Variant type: Duplication.
Coding change: c.5388dup on transcript NM_177438.3 (MANE Select); coding-DNA position 5388, one base duplicated (A; older notation c.5388dupA).
Protein change: p.Glu1797fs; shifts the reading frame from glutamic acid 1797.
Molecular consequence: frameshift variant. On other transcripts: non-coding transcript variant (6), intron variant (1).
Genome position (GRCh38, 1-based): chr14:95,091,342, T duplicated on the plus strand (A on the coding strand, the reverse complement: DICER1 is on the minus strand); the first of 2 consecutive T bases (chr14:95,091,342-95,091,343); duplicating either gives the same sequence. VCF-style (leftmost placement, unchanged base first): chr14-95091341-C-CT. GRCh37 (hg19) VCF-style: chr14-95557678-C-CT.
Other names: c.5388dup, p.Glu1797fs (NM_001395678.1, NM_001395679.1, NM_001395680.1 and 7 more transcripts); c.5106dup, p.Glu1703fs (NM_001395686.1); c.4983dup, p.Glu1662fs (NM_001395687.1, NM_001395688.1, NM_001395689.1 and 1 more transcripts); c.4821dup, p.Glu1608fs (NM_001395691.1); c.3705dup, p.Glu1236fs (NM_001395697.1); c.5365-233dup (NM_001195573.1); short protein forms E1236fs, E1608fs, E1662fs, E1703fs, E1797fs.
Identifiers: ClinVar variation 3602788 (VCV003602788.2).